The following is an entry in ClinVar:

ClinVar aggregate classification (germline): Uncertain significance (1 of 4 stars; one submission).

Conditions:
Cardiovascular phenotype. Identifiers: MedGen CN230736.

Allele frequency attached by ClinVar (database versions not stated): gnomAD exomes below 0.00001.
gnomAD v4.1: 1 of 1,612,842 alleles (0.000062%); highest among the groups gnomAD compares: Non-Finnish European, 0.000085%; no homozygotes.

Submission:

Ambry Genetics
Classification: Uncertain significance for Cardiovascular phenotype. Last evaluated: 2023-08-08. Review status: criteria provided, single submitter. Criteria: Ambry Variant Classification Scheme 2023. Collection method: clinical testing. Allele origin: germline.
Comment: The p.R335K variant (also known as c.1004G>A), located in coding exon 8 of the NEXN gene, results from a G to A substitution at nucleotide position 1004. The arginine at codon 335 is replaced by lysine, an amino acid with highly similar properties. This amino acid position is highly conserved in available vertebrate species. In addition, this alteration is predicted to be tolerated by in silico analysis. Since supporting evidence is limited at this time, the clinical significance of this alteration remains unclear.

NM_144573.4(NEXN):c.1004G>A (p.Arg335Lys)

Gene: NEXN (nexilin F-actin binding protein; plus strand). Cytogenetic location: 1p31.1.
Variant type: single nucleotide variant.
Coding change: c.1004G>A on transcript NM_144573.4 (MANE Select); coding-DNA position 1004, G replaced by A.
Protein change: p.Arg335Lys; replaces arginine 335 with lysine.
Molecular consequence: missense variant.
Genome position (GRCh38, 1-based): chr1:77,929,455, G>A. VCF-style: chr1-77929455-G-A. GRCh37 (hg19) VCF-style: chr1-78395140-G-A.
Other names: c.812G>A, p.Arg271Lys (NM_001172309.2); short protein forms R335K, R271K.
Identifiers: ClinVar variation 2625959 (VCV002625959.2), dbSNP rs9660322, ClinGen allele CA24681149.